The following is an entry in ClinVar:

NM_001349206.2(LPIN1):c.124A>G (p.Asn42Asp)

Gene: LPIN1 (lipin 1; plus strand). Cytogenetic location: 2p25.1.
Variant type: single nucleotide variant.
Coding change: c.124A>G on transcript NM_001349206.2 (MANE Select); coding-DNA position 124, A replaced by G.
Protein change: p.Asn42Asp; replaces asparagine 42 with aspartic acid.
Molecular consequence: missense variant. On other transcripts: non-coding transcript variant (1).
Genome position (GRCh38, 1-based): chr2:11,765,665, A>G. VCF-style: chr2-11765665-A-G. GRCh37 (hg19) VCF-style: chr2-11905791-A-G.
Other names: c.142A>G, p.Asn48Asp (NM_001261427.3); c.271A>G, p.Asn91Asp (NM_001261428.3, NM_001349208.2); c.124A>G, p.Asn42Asp (NM_001349199.2, NM_001349200.2, NM_001349201.2 and 5 more transcripts); c.214A>G, p.Asn72Asp (NM_001349207.2); short protein forms N42D, N72D, N91D, N48D.
Identifiers: ClinVar variation 330904 (VCV000330904.7), dbSNP rs886054796, ClinGen allele CA10611899.

ClinVar aggregate classification (germline): Uncertain significance. Review status: criteria provided, multiple submitters, no conflicts (2 of 4 stars). 2 submissions from 2 submitters: Uncertain significance (2). Last evaluated 2024-05-17.

Conditions:
Myoglobinuria, acute recurrent, autosomal recessive. Also called: MYOGLOBINURIA, FAMILIAL PAROXYSMAL PARALYTIC; RHABDOMYOLYSIS, ACUTE RECURRENT; Myoglobinuria, recurrent, autosomal recessive. Identifiers: Orphanet 99845, MedGen C1849386, MONDO:0009992, OMIM 268200.

Allele frequency attached by ClinVar (database versions not stated): gnomAD exomes below 0.00001; gnomAD 0.00001.
gnomAD v4.1: 8 of 1,614,020 alleles (0.0005%); highest among the groups gnomAD compares: Middle Eastern, 0.017%; no homozygotes.

Submissions (2):

Labcorp Genetics (formerly Invitae), Labcorp
Classification: Uncertain significance. Last evaluated: 2024-05-17. Review status: criteria provided, single submitter. Criteria: Invitae Variant Classification Sherloc (09022015). Collection method: clinical testing. Allele origin: germline.
Comment: This sequence change replaces asparagine, which is neutral and polar, with aspartic acid, which is acidic and polar, at codon 42 of the LPIN1 protein (p.Asn42Asp). This variant is not present in population databases (gnomAD no frequency). This variant has not been reported in the literature in individuals affected with LPIN1-related conditions. ClinVar contains an entry for this variant (Variation ID: 330904). Advanced modeling of protein sequence and biophysical properties (such as structural, functional, and spatial information, amino acid conservation, physicochemical variation, residue mobility, and thermodynamic stability) performed at Invitae indicates that this missense variant is not expected to disrupt LPIN1 protein function with a negative predictive value of 80%. In summary, the available evidence is currently insufficient to determine the role of this variant in disease. Therefore, it has been classified as a Variant of Uncertain Significance.

Illumina Laboratory Services, Illumina
Classification: Uncertain significance for Myoglobinuria, acute recurrent, autosomal recessive. Last evaluated: 2018-01-13. Review status: criteria provided, single submitter. Criteria: ICSL Variant Classification Criteria 13 December 2019. Collection method: clinical testing. Allele origin: germline.